The following is an entry in ClinVar:

NM_001378454.1(ALMS1):c.429G>A (p.Gln143=)

Gene: ALMS1 (ALMS1 centrosome and basal body associated protein; plus strand). Cytogenetic location: 2p13.1.
Variant type: single nucleotide variant.
Coding change: c.429G>A on transcript NM_001378454.1 (MANE Select); coding-DNA position 429, G replaced by A.
Protein change: p.Gln143=; no amino-acid change (glutamine 143 retained).
Molecular consequence: synonymous variant.
Genome position (GRCh38, 1-based): chr2:73,408,726, G>A. VCF-style: chr2-73408726-G-A. GRCh37 (hg19) VCF-style: chr2-73635854-G-A.
Other names: c.432G>A, p.Gln144= (NM_015120.4).
Identifiers: ClinVar variation 2800466 (VCV002800466.12), dbSNP rs13004308, ClinGen allele CA50352110.

ClinVar aggregate classification (germline): Likely benign. Review status: criteria provided, multiple submitters, no conflicts (2 of 4 stars). 3 submissions from 3 submitters: Likely benign (3). Last evaluated 2025-07-01.

Conditions:
ALMS1-related disorder. Also called: ALMS1-related condition.
Alstrom syndrome (ALMS). Identifiers: Orphanet 64, MedGen C0268425, MONDO:0008763, OMIM 203800.

Allele frequency attached by ClinVar (database versions not stated): TOPMed below 0.00001.
gnomAD v4.1: 1 of 1,612,962 alleles (0.000062%); highest among the groups gnomAD compares: South Asian, 0.0011%; no homozygotes.

Submissions (3):

CeGaT Center for Human Genetics Tuebingen
Classification: Likely benign. Last evaluated: 2025-07-01. Review status: criteria provided, single submitter. Criteria: CeGaT Center For Human Genetics Tuebingen Variant Classification Criteria Version 2. Collection method: clinical testing. Allele origin: germline. Affected: yes. Observed: 1 variant allele.
Comment: ALMS1: BP4, BP7

Labcorp Genetics (formerly Invitae), Labcorp
Classification: Likely benign for Alstrom syndrome. Last evaluated: 2022-12-25. Review status: criteria provided, single submitter. Criteria: Invitae Variant Classification Sherloc (09022015). Collection method: clinical testing. Allele origin: germline.

PreventionGenetics, part of Exact Sciences
Classification: Likely benign for ALMS1-related condition. Last evaluated: 2021-12-14. Review status: criteria provided, single submitter. Criteria: ACMG Guidelines, 2015. Collection method: clinical testing. Allele origin: germline.
Comment: This variant is classified as likely benign based on ACMG/AMP sequence variant interpretation guidelines (Richards et al. 2015 PMID: 25741868, with internal and published modifications).